The following is an entry in ClinVar:

ClinVar aggregate classification (germline): Uncertain significance (1 of 4 stars; one submission).

Conditions:
Hereditary pancreatitis (PCTT). Also called: PRSS1-Related Hereditary Pancreatitis; Hereditary chronic pancreatitis. Identifiers: Orphanet 676, MedGen C0238339, MONDO:0008185, OMIM 167800.

Submission:

Ambry Genetics
Classification: Uncertain significance for Hereditary pancreatitis. Last evaluated: 2022-05-26. Review status: criteria provided, single submitter. Criteria: Ambry Variant Classification Scheme 2023. Collection method: clinical testing. Allele origin: germline.
Comment: The p.S272A variant (also known as c.814T>G), located in coding exon 8 of the CPA1 gene, results from a T to G substitution at nucleotide position 814. The serine at codon 272 is replaced by alanine, an amino acid with similar properties. This amino acid position is conserved. In addition, this alteration is predicted to be tolerated by in silico analysis. Since supporting evidence is limited at this time, the clinical significance of this alteration remains unclear.

NM_001868.4(CPA1):c.814T>G (p.Ser272Ala)

Gene: CPA1 (carboxypeptidase A1; plus strand). Cytogenetic location: 7q32.2.
Variant type: single nucleotide variant.
Coding change: c.814T>G on transcript NM_001868.4 (MANE Select); coding-DNA position 814, T replaced by G.
Protein change: p.Ser272Ala; replaces serine 272 with alanine.
Molecular consequence: missense variant.
Genome position (GRCh38, 1-based): chr7:130,385,172, T>G. VCF-style: chr7-130385172-T-G. GRCh37 (hg19) VCF-style: chr7-130025013-T-G.
Other names: short protein forms S272A.
Identifiers: ClinVar variation 1762193 (VCV001762193.2), dbSNP rs2536012061, ClinGen allele CA369283282.